The following is an entry in ClinVar:

NM_201384.3(PLEC):c.3142G>A (p.Glu1048Lys)

Gene: PLEC (plectin; minus strand). Cytogenetic location: 8q24.3.
Variant type: single nucleotide variant.
Coding change: c.3142G>A on transcript NM_201384.3 (MANE Select); coding-DNA position 3142, G replaced by A.
Protein change: p.Glu1048Lys; replaces glutamic acid 1048 with lysine.
Molecular consequence: missense variant.
Genome position (GRCh38, 1-based): chr8:143,929,221, C>T on the plus strand (G>A on the coding strand, the complement: PLEC is on the minus strand). VCF-style: chr8-143929221-C-T. GRCh37 (hg19) VCF-style: chr8-145003389-C-T.
Other names: p.Glu1075Lys; c.3223G>A, p.Glu1075Lys (NM_000445.5); c.3100G>A, p.Glu1034Lys (NM_201378.4); c.3076G>A, p.Glu1026Lys (NM_201379.3); c.3553G>A, p.Glu1185Lys (NM_201380.4); c.3046G>A, p.Glu1016Lys (NM_201381.3); c.3142G>A, p.Glu1048Lys (NM_201382.4); c.3154G>A, p.Glu1052Lys (NM_201383.3); short protein forms E1016K, E1052K, E1034K, E1026K, E1048K, E1075K, E1185K.
Identifiers: ClinVar variation 282188 (VCV000282188.20), dbSNP rs199523622, ClinGen allele CA4927191.
Genomic context (GRCh38, chr8:143,929,221, plus strand): 5'-CCAGCTCCGAGCGCAGCGTGGGGGCCGCAGGCGATGGCTCTGGTAGGGCCAAGACCTTCT[C>T]GGCCTCGGCAGAGAGCCGGGCGACCCCCTTGCCCAGCCCCTCCACCTCTGCCTGTGCCTT-3'
Protein context (NP_958786.1, residues 1038-1058): KGVARLSAEA[Glu1048Lys]KVLALPEPSP

ClinVar aggregate classification (germline): Conflicting classifications of pathogenicity. Review status: criteria provided, conflicting classifications (1 of 4 stars). 6 submissions from 6 submitters: Uncertain significance (5); Likely benign (1). Last evaluated 2026-01-21.

Conditions:
PLEC-related disorder. Also called: PLEC-related disorders; PLEC-related condition.
Epidermolysis bullosa simplex with nail dystrophy (EBS5D). Identifiers: MedGen C4225309, MONDO:0014661, OMIM 616487.
Autosomal recessive limb-girdle muscular dystrophy type 2Q (LGMDR17). Also called: MUSCULAR DYSTROPHY, LIMB-GIRDLE, AUTOSOMAL RECESSIVE 17. Identifiers: Orphanet 254361, MedGen C3150989, MONDO:0013390, OMIM 613723.
Junctional epidermolysis bullosa with pyloric atresia. Also called: ITGB4-Related Epidermolysis Bullosa with Pyloric Atresia; Epidermolysis bullosa, junctional, with pyloric atresia and aplasia cutis congenita; Epidermolysis bullosa junctionalis with pyloric atresia; CARMI SYNDROME; EB-PA-ACC; EPIDERMOLYSIS BULLOSA, JUNCTIONAL 5B, WITH PYLORIC ATRESIA. Identifiers: Orphanet 79403, MedGen C5676875, MONDO:0009183, OMIM 226730.
Epidermolysis bullosa simplex 5C, with pyloric atresia (EBS5C). Also called: PLEC-Related Epidermolysis Bullosa with Pyloric Atresia; Epidermolysis bullosa simplex with pyloric atresia; PLEC1-Related Epidermolysis Bullosa with Pyloric Atresia. Identifiers: Orphanet 158684, MedGen C2677349, MONDO:0012807, OMIM 612138.
Epidermolysis bullosa simplex 5B, with muscular dystrophy (EBS5B). Also called: EPIDERMOLYSIS BULLOSA SIMPLEX AND LIMB-GIRDLE MUSCULAR DYSTROPHY; Epidermolysis bullosa simplex with muscular dystrophy. Identifiers: Orphanet 257, MedGen C2931072, MONDO:0009181, OMIM 226670.
Epidermolysis bullosa simplex, Ogna type (EBS5A). Also called: Pidermolysis bullosa simplex 5A, Ogna type; EPIDERMOLYSIS BULLOSA SIMPLEX 5A, OGNA TYPE. Identifiers: Orphanet 79401, MedGen C0432317, MONDO:0007555, OMIM 131950.

Allele frequency attached by ClinVar (database versions not stated): gnomAD 0.00015 and 0.00017; ESP Exome Variant Server 0.00016; TOPMed 0.00020; gnomAD exomes 0.00025 and 0.00035; ExAC 0.00062.
gnomAD v4.1: 378 of 1,602,510 alleles (0.024%); highest among the groups gnomAD compares: Non-Finnish European, 0.03%; 1 homozygote.

Submissions (6):

Labcorp Genetics (formerly Invitae), Labcorp
Classification: Uncertain significance for Autosomal recessive limb-girdle muscular dystrophy type 2Q; Epidermolysis bullosa simplex, Ogna type; Epidermolysis bullosa simplex with nail dystrophy; Epidermolysis bullosa simplex 5C, with pyloric atresia; Epidermolysis bullosa simplex 5B, with muscular dystrophy. Last evaluated: 2026-01-21. Review status: criteria provided, single submitter. Criteria: Invitae Variant Classification Sherloc (09022015). Collection method: clinical testing. Allele origin: germline.
Comment: This sequence change replaces glutamic acid, which is acidic and polar, with lysine, which is basic and polar, at codon 1075 of the PLEC protein (p.Glu1075Lys). This variant is present in population databases (rs199523622, gnomAD 0.06%). This variant has not been reported in the literature in individuals affected with PLEC-related conditions. ClinVar contains an entry for this variant (Variation ID: 282188). Invitae Evidence Modeling of protein sequence and biophysical properties (such as structural, functional, and spatial information, amino acid conservation, physicochemical variation, residue mobility, and thermodynamic stability) has been performed for this missense variant. However, the output from this modeling did not meet the statistical confidence thresholds required to predict the impact of this variant on PLEC protein function. In summary, the available evidence is currently insufficient to determine the role of this variant in disease. Therefore, it has been classified as a Variant of Uncertain Significance.

Mayo Clinic Laboratories, Mayo Clinic
Classification: Uncertain significance. Last evaluated: 2025-07-26. Review status: criteria provided, single submitter. Criteria: ACMG Guidelines, 2015. Collection method: clinical testing. Allele origin: germline. Observed: 2 variant alleles.
Comment: BP4_moderate

PreventionGenetics, part of Exact Sciences
Classification: Uncertain significance for PLEC-related condition. Last evaluated: 2025-06-16. Review status: criteria provided, single submitter. Criteria: ACMG Guidelines, 2015. Collection method: clinical testing. Allele origin: germline.
Comment: The PLEC c.3223G>A variant is predicted to result in the amino acid substitution p.Glu1075Lys. To our knowledge, this variant has not been reported in the literature. This variant is reported in 0.064% of alleles in individuals of European (Non-Finnish) descent in gnomAD. Although we suspect that this variant may be benign, at this time, the clinical significance of this variant is uncertain due to the absence of conclusive functional and genetic evidence.

Blueprint Genetics
Classification: Likely benign. Last evaluated: 2024-11-04. Review status: criteria provided, single submitter. Criteria: ACMG Guidelines, 2015. Collection method: clinical testing. Allele origin: germline.

Department of Pathology and Laboratory Medicine, Sinai Health System
Classification: Uncertain significance for Epidermolysis bullosa simplex, Ogna type; Epidermolysis bullosa simplex 5B, with muscular dystrophy; Junctional epidermolysis bullosa with pyloric atresia; Epidermolysis bullosa simplex 5C, with pyloric atresia; Autosomal recessive limb-girdle muscular dystrophy type 2Q; Epidermolysis bullosa simplex with nail dystrophy. Last evaluated: 2021-09-29. Review status: criteria provided, single submitter. Criteria: ACMG Guidelines, 2015. Collection method: research. Allele origin: germline.

Eurofins Ntd Llc (ga)
Classification: Uncertain significance. Last evaluated: 2018-09-14. Review status: criteria provided, single submitter. Criteria: EGL ClinVar v180209 classification definitions. Collection method: clinical testing. Allele origin: germline. Observed: 5 variant alleles, 5 heterozygotes.